The following is an entry in ClinVar:

NM_001851.6(COL9A1):c.2581+6T>C

Gene: COL9A1 (collagen type IX alpha 1 chain; minus strand). Cytogenetic location: 6q13.
Variant type: single nucleotide variant.
Coding change: c.2581+6T>C on transcript NM_001851.6 (MANE Select); 6 bases into the intron after coding-DNA position 2581, T replaced by C.
Molecular consequence: intron variant.
Genome position (GRCh38, 1-based): chr6:70,225,926, A>G on the plus strand (T>C on the coding strand, the complement: COL9A1 is on the minus strand). VCF-style: chr6-70225926-A-G. GRCh37 (hg19) VCF-style: chr6-70935629-A-G.
Other names: c.1705+6T>C (NM_001377290.1); c.1852+6T>C (NM_078485.4); c.1882+6T>C (NM_001377289.1).
Identifiers: ClinVar variation 2995614 (VCV002995614.3), dbSNP rs768642091, ClinGen allele CA3881731.
Genomic context (GRCh38, chr6:70,225,926, plus strand): 5'-CAATTCAGGCTGTGTACTTGCTACCAATTTCGCTACCTCCTCCTCTCAGCTATACAACAC[A>G]CTTACCTGGGAGACCTATAGCTCCAGGCAAACCGTTGGGACCTCTTCCTGGAGGGCCACG-3'

ClinVar aggregate classification (germline): Uncertain significance (1 of 4 stars; one submission).

Allele frequency attached by ClinVar (database versions not stated): gnomAD exomes 0.00001; TOPMed 0.00001; ExAC 0.00002.
gnomAD v4.1: 23 of 1,613,110 alleles (0.0014%); highest among the groups gnomAD compares: Non-Finnish European, 0.0018%; no homozygotes.

Submission:

Labcorp Genetics (formerly Invitae), Labcorp
Classification: Uncertain significance. Last evaluated: 2022-11-20. Review status: criteria provided, single submitter. Criteria: Invitae Variant Classification Sherloc (09022015). Collection method: clinical testing. Allele origin: germline.
Comment: In summary, the available evidence is currently insufficient to determine the role of this variant in disease. Therefore, it has been classified as a Variant of Uncertain Significance. Variants that disrupt the consensus splice site are a relatively common cause of aberrant splicing (PMID: 17576681, 9536098). Algorithms developed to predict the effect of sequence changes on RNA splicing suggest that this variant is not likely to affect RNA splicing. This variant has not been reported in the literature in individuals affected with COL9A1-related conditions. This variant is present in population databases (rs768642091, gnomAD 0.004%). This sequence change falls in intron 37 of the COL9A1 gene. It does not directly change the encoded amino acid sequence of the COL9A1 protein. It affects a nucleotide within the consensus splice site.

Literature cited by the submitters: PubMed 17576681; PubMed 9536098.